The following is an entry in ClinVar:

ClinVar aggregate classification (germline): Uncertain significance. Review status: criteria provided, multiple submitters, no conflicts (2 of 4 stars). 2 submissions from 2 submitters: Uncertain significance (2). Last evaluated 2026-01-28.

Conditions:
Hereditary cancer-predisposing syndrome. Also called: Hereditary neoplastic syndrome; Neoplastic Syndromes, Hereditary; Tumor predisposition; Hereditary Cancer Syndrome. Identifiers: Orphanet 140162, MedGen C0027672, MeSH D009386, MONDO:0015356.
Neuroblastoma, susceptibility to, 3. Also called: ALK-Related Neuroblastic Tumor Susceptibility. Identifiers: Orphanet 635, MedGen C2751681, MONDO:0013083, OMIM 613014.

Allele frequency attached by ClinVar (database versions not stated): gnomAD exomes below 0.00001 and 0.00001; TOPMed below 0.00001; ExAC 0.00001.

Submissions (2):

Labcorp Genetics (formerly Invitae), Labcorp
Classification: Uncertain significance for Neuroblastoma, susceptibility to, 3. Last evaluated: 2026-01-28. Review status: criteria provided, single submitter. Criteria: Invitae Variant Classification Sherloc (09022015). Collection method: clinical testing. Allele origin: germline.
Comment: This sequence change replaces alanine, which is neutral and non-polar, with threonine, which is neutral and polar, at codon 1274 of the ALK protein (p.Ala1274Thr). This variant is present in population databases (rs45502292, gnomAD 0.006%). This variant has not been reported in the literature in individuals affected with ALK-related conditions. ClinVar contains an entry for this variant (Variation ID: 470849). An algorithm developed to predict the effect of missense changes on protein structure and function (PolyPhen-2) suggests that this variant is likely to be disruptive. In summary, the available evidence is currently insufficient to determine the role of this variant in disease. Therefore, it has been classified as a Variant of Uncertain Significance.

Ambry Genetics
Classification: Uncertain significance for Hereditary cancer-predisposing syndrome. Last evaluated: 2025-03-30. Review status: criteria provided, single submitter. Criteria: Ambry Variant Classification Scheme 2023. Collection method: clinical testing. Allele origin: germline.
Comment: The p.A1274T variant (also known as c.3820G>A), located in coding exon 25 of the ALK gene, results from a G to A substitution at nucleotide position 3820. The alanine at codon 1274 is replaced by threonine, an amino acid with similar properties. This amino acid position is highly conserved in available vertebrate species. In addition, this alteration is predicted to be deleterious by in silico analysis. Since supporting evidence is limited at this time, the clinical significance of this alteration remains unclear.

NM_004304.5(ALK):c.3820G>A (p.Ala1274Thr)

Gene: ALK (ALK receptor tyrosine kinase; minus strand). Cytogenetic location: 2p23.2.
Variant type: single nucleotide variant.
Coding change: c.3820G>A on transcript NM_004304.5 (MANE Select); coding-DNA position 3820, G replaced by A.
Protein change: p.Ala1274Thr; replaces alanine 1274 with threonine.
Molecular consequence: missense variant.
Genome position (GRCh38, 1-based): chr2:29,209,802, C>T on the plus strand (G>A on the coding strand, the complement: ALK is on the minus strand). VCF-style: chr2-29209802-C-T. GRCh37 (hg19) VCF-style: chr2-29432668-C-T.
Other names: c.616G>A, p.Ala206Thr (NM_001353765.2); short protein forms A1274T, A206T.
Identifiers: ClinVar variation 470849 (VCV000470849.14), dbSNP rs45502292, ClinGen allele CA1593776.
Genomic context (GRCh38, chr2:29,209,802, plus strand): 5'-GGTGGAAGAGACAGGCCCGGAGGGGTGAGGCAGTCTTTACTCACCTGTAGATGTCTCGGG[C>T]CATCCCGAAGTCTCCAATCTTGGCCACTCTTCCAGGGCCTGGACAGGTCAAGAGGCAGTT-3'
Protein context (NP_004295.2, residues 1264-1284): RVAKIGDFGM[Ala1274Thr]RDIYRASYYR